The following is an entry in ClinVar:

ClinVar aggregate classification (germline): Uncertain significance (1 of 4 stars; one submission).

Conditions:
Inborn genetic diseases. Identifiers: MedGen C0950123, MeSH D030342.

Submission:

Ambry Genetics
Classification: Uncertain significance for Inborn genetic diseases. Last evaluated: 2026-03-12. Review status: criteria provided, single submitter. Criteria: Ambry Variant Classification Scheme 2023. Collection method: clinical testing. Allele origin: germline.
Comment: The p.C579F variant (also known as c.1736G>T), located in coding exon 11 of the ERCC6L2 gene, results from a G to T substitution at nucleotide position 1736. The cysteine at codon 579 is replaced by phenylalanine, an amino acid with highly dissimilar properties. This amino acid position is conserved. In addition, this alteration is predicted to be deleterious by in silico analysis. Based on the available evidence, the clinical significance of this variant remains unclear.

NM_020207.7(ERCC6L2):c.1736G>T (p.Cys579Phe)

Gene: ERCC6L2 (ERCC excision repair 6 like 2; plus strand). Cytogenetic location: 9q22.32.
Variant type: single nucleotide variant.
Coding change: c.1736G>T on transcript NM_020207.7 (MANE Select); coding-DNA position 1736, G replaced by T.
Protein change: p.Cys579Phe; replaces cysteine 579 with phenylalanine.
Molecular consequence: missense variant. On other transcripts: non-coding transcript variant (1).
Genome position (GRCh38, 1-based): chr9:95,928,849, G>T. VCF-style: chr9-95928849-G-T. GRCh37 (hg19) VCF-style: chr9-98691131-G-T.
Other names: c.1736G>T, p.Cys579Phe (NM_001010895.4, NM_001375291.1, NM_001375292.1 and 2 more transcripts); short protein forms C579F.
Identifiers: ClinVar variation 4827691 (VCV004827691.1).